The following is an entry in ClinVar:

NM_006946.4(SPTBN2):c.1225C>G (p.Arg409Gly)

Gene: SPTBN2 (spectrin beta, non-erythrocytic 2; minus strand). Cytogenetic location: 11q13.2.
Variant type: single nucleotide variant.
Coding change: c.1225C>G on transcript NM_006946.4 (MANE Select); coding-DNA position 1225, C replaced by G.
Protein change: p.Arg409Gly; replaces arginine 409 with glycine.
Molecular consequence: missense variant.
Genome position (GRCh38, 1-based): chr11:66,708,266, G>C on the plus strand (C>G on the coding strand, the complement: SPTBN2 is on the minus strand). VCF-style: chr11-66708266-G-C. GRCh37 (hg19) VCF-style: chr11-66475737-G-C.
Other names: c.1246C>G, p.Arg416Gly (NM_001411025.1); short protein forms R409G, R416G.
Identifiers: ClinVar variation 1716818 (VCV001716818.5), dbSNP rs1941674991, ClinGen allele CA381481568.

ClinVar aggregate classification (germline): Uncertain significance (1 of 4 stars; one submission).

Submission:

Labcorp Genetics (formerly Invitae), Labcorp
Classification: Uncertain significance. Last evaluated: 2022-10-19. Review status: criteria provided, single submitter. Criteria: Invitae Variant Classification Sherloc (09022015). Collection method: clinical testing. Allele origin: germline.
Comment: In summary, the available evidence is currently insufficient to determine the role of this variant in disease. Therefore, it has been classified as a Variant of Uncertain Significance. Advanced modeling of protein sequence and biophysical properties (such as structural, functional, and spatial information, amino acid conservation, physicochemical variation, residue mobility, and thermodynamic stability) performed at Invitae indicates that this missense variant is expected to disrupt SPTBN2 protein function. This variant has not been reported in the literature in individuals affected with SPTBN2-related conditions. This variant is not present in population databases (gnomAD no frequency). This sequence change replaces arginine, which is basic and polar, with glycine, which is neutral and non-polar, at codon 409 of the SPTBN2 protein (p.Arg409Gly).